The following is an entry in ClinVar:

NM_001009944.3(PKD1):c.6251del (p.Ser2084fs)

Gene: PKD1 (polycystin 1, transient receptor potential channel interacting; minus strand). Cytogenetic location: 16p13.3.
Variant type: Deletion.
Coding change: c.6251del on transcript NM_001009944.3 (MANE Select); coding-DNA position 6251, one base deleted (G; older notation c.6251delG).
Protein change: p.Ser2084fs; shifts the reading frame from serine 2084.
Molecular consequence: frameshift variant.
Genome position (GRCh38, 1-based): chr16:2,108,916, C deleted on the plus strand (G on the coding strand, the reverse complement: PKD1 is on the minus strand). VCF-style (leftmost placement, unchanged base first): chr16-2108915-GC-G. GRCh37 (hg19) VCF-style: chr16-2158916-GC-G.
Other names: c.6251delG, p.Ser2084Thrfs (NM_001009944.2); c.6251del, p.Ser2084fs (NM_000296.4); short protein forms S2084fs.
Identifiers: ClinVar variation 3780277 (VCV003780277.2).
Genomic context (GRCh38, chr16:2,108,915, plus strand): 5'-GTCCTGCCCTGGCGACCCATCCCCAAAGTCCCAGTGGTAGGCCACACGCCGGGGGCTGGG[GC>G]TGGTGGCGGCCTCAAACTGCGCCGAGCGGTTGGTGAAGCAGGGGCCGCTCTGCAGGGCCA-3'

ClinVar aggregate classification (germline): Pathogenic/Likely pathogenic. Review status: criteria provided, multiple submitters, no conflicts (2 of 4 stars). 2 submissions from 2 submitters: Pathogenic (1); Likely pathogenic (1). Last evaluated 2025-03-18.

Conditions:
Polycystic kidney disease, adult type (PKD1). Also called: Polycystic Kidney, Autosomal Dominant; POLYCYSTIC KIDNEY DISEASE 1 WITH OR WITHOUT POLYCYSTIC LIVER DISEASE; Polycystic Kidney Disease 1, Autosomal Dominant; Polycystic kidney disease 1; Polycystic kidney disease 1, severe; POLYCYSTIC KIDNEY DISEASE, ADULT, TYPE I. Identifiers: MedGen C3149841, MONDO:0008263, OMIM 173900.
Autosomal dominant polycystic kidney disease. Identifiers: Orphanet 730, MedGen C0085413, MONDO:0004691.

Submissions (2):

Variantyx, Inc.
Classification: Likely pathogenic for Polycystic kidney disease, adult type. Last evaluated: 2025-03-18. Review status: criteria provided, single submitter. Criteria: Variantyx Assertion Criteria 2022. Collection method: clinical testing. Allele origin: germline. Affected: yes.
Comment: This is a frameshift variant in the PKD1 gene (OMIM: 601313). Pathogenic variants in this gene have been associated with autosomal dominant polycystic kidney disease 1. This variant introduces a premature termination codon in exon 15 out of 46. It is expected to result in loss of function, which is a known disease mechanism for PKD1 in this disorder (PMID: 29529603, 24694054, 25491204) (PVS1). This variant is absent from control populations (PM2_Supporting). This variant has not been reported in individuals with PKD1-related disorders in the databases available for review. Based on the current evidence, this variant is classified as likely pathogenic for autosomal dominant polycystic kidney disease 1.

Department of Pathology and Laboratory Medicine, Sinai Health System
Classification: Pathogenic for autosomal dominant polycystic kidney disease. Last evaluated: 2024-06-26. Review status: criteria provided, single submitter. Criteria: ACMG Guidelines, 2015. Collection method: clinical testing. Allele origin: germline. Affected: yes.